The following is an entry in ClinVar:

NM_000057.4(BLM):c.3611del (p.Ala1203_Leu1204insTer)

Gene: BLM (BLM RecQ like helicase; plus strand). Cytogenetic location: 15q26.1.
Variant type: Deletion.
Coding change: c.3611del on transcript NM_000057.4 (MANE Select); coding-DNA position 3611, one base deleted (T; older notation c.3611delT).
Protein change: p.Ala1203_Leu1204insTer.
Molecular consequence: nonsense. On other transcripts: intron variant (1).
Genome position (GRCh38, 1-based): chr15:90,804,219, T deleted; the last of 2 consecutive T bases (chr15:90,804,218-90,804,219); deleting either gives the same sequence. VCF-style (leftmost placement, unchanged base first): chr15-90804217-GT-G. GRCh37 (hg19) VCF-style: chr15-91347447-GT-G.
Other names: c.3611del, p.Ala1203_Leu1204insTer (NM_001287246.2); c.2486del, p.Ala828_Leu829insTer (NM_001287248.2); c.3359-4918del (NM_001287247.2).
Identifiers: ClinVar variation 2021645 (VCV002021645.4), dbSNP rs2505549793, ClinGen allele CA2580090315.
Genomic context (GRCh38, chr15:90,804,217, plus strand): 5'-TCTCATAAAGGTAGACTTTATGGAAACAGAAAATTCCAGCAGTGTGAAAAAACAAAAAGC[GT>G]TAGTAGCAAAAGTGTCTCAGAGGGAAGAGATGGTTAAAAAATGTCTTGGAGAACTTACAG-3'

ClinVar aggregate classification (germline): Pathogenic (1 of 4 stars; one submission).

Conditions:
Bloom syndrome (BLM). Also called: Bloom-Torre-Machacek syndrome. Identifiers: Orphanet 125, MedGen C0005859, MONDO:0008876, OMIM 210900.

Submission:

Labcorp Genetics (formerly Invitae), Labcorp
Classification: Pathogenic for Bloom syndrome. Last evaluated: 2022-08-05. Review status: criteria provided, single submitter. Criteria: Invitae Variant Classification Sherloc (09022015). Collection method: clinical testing. Allele origin: germline.
Comment: For these reasons, this variant has been classified as Pathogenic. Algorithms developed to predict the effect of sequence changes on RNA splicing suggest that this variant may disrupt the consensus splice site. This variant has not been reported in the literature in individuals affected with BLM-related conditions. This variant is not present in population databases (gnomAD no frequency). This sequence change creates a premature translational stop signal (p.Leu1204*) in the BLM gene. It is expected to result in an absent or disrupted protein product. Loss-of-function variants in BLM are known to be pathogenic (PMID: 17407155).

Literature cited by the submitters: PubMed 17407155.